The following is an entry in ClinVar:

ClinVar aggregate classification (germline): Uncertain significance (1 of 4 stars; one submission).

gnomAD v4.1: 1 of 1,599,122 alleles (0.000063%); highest among the groups gnomAD compares: Admixed American, 0.0017%; no homozygotes.

Submission:

Labcorp Genetics (formerly Invitae), Labcorp
Classification: Uncertain significance. Last evaluated: 2022-10-14. Review status: criteria provided, single submitter. Criteria: Invitae Variant Classification Sherloc (09022015). Collection method: clinical testing. Allele origin: germline.
Comment: In summary, the available evidence is currently insufficient to determine the role of this variant in disease. Therefore, it has been classified as a Variant of Uncertain Significance. Algorithms developed to predict the effect of sequence changes on RNA splicing suggest that this variant may create or strengthen a splice site. Algorithms developed to predict the effect of missense changes on protein structure and function (SIFT, PolyPhen-2, Align-GVGD) all suggest that this variant is likely to be disruptive. This variant has not been reported in the literature in individuals affected with CELSR2-related conditions. This variant is present in population databases (rs756504454, gnomAD 0.003%). This sequence change replaces aspartic acid, which is acidic and polar, with glutamic acid, which is acidic and polar, at codon 2101 of the CELSR2 protein (p.Asp2101Glu).

NM_001408.3(CELSR2):c.6303C>G (p.Asp2101Glu)

Gene: CELSR2 (cadherin EGF LAG seven-pass G-type receptor 2; plus strand). Cytogenetic location: 1p13.3.
Variant type: single nucleotide variant.
Coding change: c.6303C>G on transcript NM_001408.3 (MANE Select); coding-DNA position 6303, C replaced by G.
Protein change: p.Asp2101Glu; replaces aspartic acid 2101 with glutamic acid.
Molecular consequence: missense variant.
Genome position (GRCh38, 1-based): chr1:109,268,045, C>G. VCF-style: chr1-109268045-C-G. GRCh37 (hg19) VCF-style: chr1-109810667-C-G.
Other names: short protein forms D2101E.
Identifiers: ClinVar variation 2100199 (VCV002100199.4), dbSNP rs756504454, ClinGen allele CA987833.